The following is an entry in ClinVar:

ClinVar aggregate classification (germline): Likely benign. Review status: criteria provided, multiple submitters, no conflicts (2 of 4 stars). 2 submissions from 2 submitters: Likely benign (2). Last evaluated 2024-10-15.

Conditions:
Hereditary diffuse gastric adenocarcinoma (HDGC). Also called: DIFFUSE GASTRIC AND LOBULAR BREAST CANCER SYNDROME. Identifiers: Orphanet 26106, MedGen C1708349, MONDO:0007648, OMIM 137215.

Submissions (2):

Myriad Genetics, Inc.
Classification: Likely benign for Hereditary diffuse gastric adenocarcinoma. Last evaluated: 2024-10-15. Review status: criteria provided, single submitter. Criteria: Myriad Autosomal Dominant, Autosomal Recessive and X-Linked Classification Criteria (2023). Collection method: clinical testing. Allele origin: unknown.
Comment: This variant is considered likely benign. This variant is intronic and is not expected to impact mRNA splicing.

Labcorp Genetics (formerly Invitae), Labcorp
Classification: Likely benign. Last evaluated: 2023-04-19. Review status: criteria provided, single submitter. Criteria: Invitae Variant Classification Sherloc (09022015). Collection method: clinical testing. Allele origin: germline.

NM_001903.5(CTNNA1):c.2434-4G>C

Gene: CTNNA1 (catenin alpha 1; plus strand). Cytogenetic location: 5q31.2.
Variant type: single nucleotide variant.
Coding change: c.2434-4G>C on transcript NM_001903.5 (MANE Select); 4 bases into the intron before coding-DNA position 2434, G replaced by C.
Molecular consequence: intron variant.
Genome position (GRCh38, 1-based): chr5:138,933,798, G>C. VCF-style: chr5-138933798-G-C. GRCh37 (hg19) VCF-style: chr5-138269487-G-C.
Other names: c.2434-4G>C (NM_001323982.2, NM_001323984.2, NM_001323983.1); c.2505-4G>C (NM_001290307.3); c.2434-31G>C (NM_001323985.2); c.2341-4G>C (NM_001323986.2); c.2065-4G>C (NM_001290310.3); c.2125-4G>C (NM_001290309.3); c.1324-4G>C (NM_001323996.1, NM_001323993.1, NM_001323998.1 and 12 more transcripts); c.1395-4G>C (NM_001324005.1, NM_001324003.1, NM_001324002.1 and 1 more transcripts); and 4 more.
Identifiers: ClinVar variation 2852334 (VCV002852334.4), dbSNP rs760241675, ClinGen allele CA2739275082.
Genomic context (GRCh38, chr5:138,933,798, plus strand): 5'-CCACCTGTGTCCACGAGGCTGGAGGTCAGGCCGGTGCTTCTTACCACCCCTGTCTGCCTC[G>C]TAGGTGGACAGCGCCATGTCCCTGATCCAGGCAGCCAAGAACTTGATGAATGCTGTGGTG-3'